The following is an entry in ClinVar:

NM_022124.6(CDH23):c.2119G>C (p.Glu707Gln)

Gene: CDH23 (cadherin related 23; plus strand). Cytogenetic location: 10q22.1.
Variant type: single nucleotide variant.
Coding change: c.2119G>C on transcript NM_022124.6 (MANE Select); coding-DNA position 2119, G replaced by C.
Protein change: p.Glu707Gln; replaces glutamic acid 707 with glutamine.
Molecular consequence: missense variant.
Genome position (GRCh38, 1-based): chr10:71,690,527, G>C. VCF-style: chr10-71690527-G-C. GRCh37 (hg19) VCF-style: chr10-73450284-G-C.
Other names: c.2119G>C, p.Glu707Gln (NM_001171930.2, NM_001171931.2); short protein forms E707Q.
Identifiers: ClinVar variation 1501000 (VCV001501000.5), dbSNP rs760774586, ClinGen allele CA5544096.

ClinVar aggregate classification (germline): Uncertain significance (1 of 4 stars; one submission).

Allele frequency attached by ClinVar (database versions not stated): gnomAD exomes below 0.00001; ExAC 0.00001; gnomAD 0.00001; TOPMed 0.00001.
gnomAD v4.1: 9 of 1,611,518 alleles (0.00056%); highest among the groups gnomAD compares: Non-Finnish European, 0.00076%; no homozygotes.

Submission:

Labcorp Genetics (formerly Invitae), Labcorp
Classification: Uncertain significance. Last evaluated: 2026-01-12. Review status: criteria provided, single submitter. Criteria: Invitae Variant Classification Sherloc (09022015). Collection method: clinical testing. Allele origin: germline.
Comment: This sequence change replaces glutamic acid, which is acidic and polar, with glutamine, which is neutral and polar, at codon 707 of the CDH23 protein (p.Glu707Gln). The frequency data for this variant in the population databases is considered unreliable, as metrics indicate poor data quality at this position in the gnomAD database. This variant has not been reported in the literature in individuals affected with CDH23-related conditions. ClinVar contains an entry for this variant (Variation ID: 1501000). Invitae Evidence Modeling of protein sequence and biophysical properties (such as structural, functional, and spatial information, amino acid conservation, physicochemical variation, residue mobility, and thermodynamic stability) has been performed for this missense variant. However, the output from this modeling did not meet the statistical confidence thresholds required to predict the impact of this variant on CDH23 protein function. In summary, the available evidence is currently insufficient to determine the role of this variant in disease. Therefore, it has been classified as a Variant of Uncertain Significance.